The following is an entry in ClinVar:

ClinVar aggregate classification (germline): Uncertain significance. Review status: criteria provided, multiple submitters, no conflicts (2 of 4 stars). 3 submissions from 3 submitters: Uncertain significance (3). Last evaluated 2025-03-04.

Conditions:
Familial cancer of breast. Also called: BREAST CANCER, FAMILIAL; Hereditary breast cancer; hereditary breast carcinoma. Identifiers: Orphanet 227535, MedGen C0346153, MONDO:0016419, OMIM 114480. Disease mechanism: loss of function.
Hereditary cancer-predisposing syndrome. Also called: Hereditary Cancer Syndrome; Tumor predisposition; Hereditary neoplastic syndrome; Neoplastic Syndromes, Hereditary. Identifiers: Orphanet 140162, MedGen C0027672, MeSH D009386, MONDO:0015356.

Submissions (3):

Center for Genomic Medicine, Rigshospitalet, Copenhagen University Hospital
Classification: Uncertain significance. Last evaluated: 2025-03-04. Review status: criteria provided, single submitter. Criteria: ACMG Guidelines, 2015. Collection method: clinical testing. Allele origin: germline.

Ambry Genetics
Classification: Uncertain significance for Hereditary cancer-predisposing syndrome. Last evaluated: 2022-05-28. Review status: criteria provided, single submitter. Criteria: Ambry Variant Classification Scheme 2023. Collection method: clinical testing. Allele origin: germline.
Comment: The p.P719S variant (also known as c.2155C>T), located in coding exon 5 of the PALB2 gene, results from a C to T substitution at nucleotide position 2155. The proline at codon 719 is replaced by serine, an amino acid with similar properties. This amino acid position is conserved. In addition, this alteration is predicted to be tolerated by in silico analysis. Since supporting evidence is limited at this time, the clinical significance of this alteration remains unclear.

Labcorp Genetics (formerly Invitae), Labcorp
Classification: Uncertain significance for Familial cancer of breast. Last evaluated: 2020-02-19. Review status: criteria provided, single submitter. Criteria: Invitae Variant Classification Sherloc (09022015). Collection method: clinical testing. Allele origin: germline.
Comment: Algorithms developed to predict the effect of missense changes on protein structure and function output the following: SIFT: "Tolerated"; PolyPhen-2: "Benign"; Align-GVGD: "Class C0". The serine amino acid residue is found in multiple mammalian species, suggesting that this missense change does not adversely affect protein function. These predictions have not been confirmed by published functional studies and their clinical significance is uncertain. In summary, the available evidence is currently insufficient to determine the role of this variant in disease. Therefore, it has been classified as a Variant of Uncertain Significance. Algorithms developed to predict the effect of sequence changes on RNA splicing suggest that this variant may create or strengthen a splice site, but this prediction has not been confirmed by published transcriptional studies. This variant has not been reported in the literature in individuals with PALB2-related conditions. This variant is not present in population databases (ExAC no frequency). This sequence change replaces proline with serine at codon 719 of the PALB2 protein (p.Pro719Ser). The proline residue is moderately conserved and there is a moderate physicochemical difference between proline and serine.

NM_024675.4(PALB2):c.2155C>T (p.Pro719Ser)

Gene: PALB2 (partner and localizer of BRCA2; minus strand). Cytogenetic location: 16p12.2.
Variant type: single nucleotide variant.
Coding change: c.2155C>T on transcript NM_024675.4 (MANE Select); coding-DNA position 2155, C replaced by T.
Protein change: p.Pro719Ser; replaces proline 719 with serine.
Molecular consequence: missense variant.
Genome position (GRCh38, 1-based): chr16:23,629,999, G>A on the plus strand (C>T on the coding strand, the complement: PALB2 is on the minus strand). VCF-style: chr16-23629999-G-A. GRCh37 (hg19) VCF-style: chr16-23641320-G-A.
Other names: c.2155C>T (NM_024675.3); short protein forms P719S.
Identifiers: ClinVar variation 1055669 (VCV001055669.20), dbSNP rs2142379642, ClinGen allele CA395125683.